The following is an entry in ClinVar:

NM_022042.4(SLC26A1):c.139C>T (p.Arg47Trp)

Genes: IDUA (alpha-L-iduronidase; plus strand), SLC26A1 (solute carrier family 26 member 1; minus strand). Cytogenetic location: 4p16.3.
Variant type: single nucleotide variant.
Coding change: c.139C>T on transcript NM_022042.4 (MANE Select); coding-DNA position 139, C replaced by T.
Protein change: p.Arg47Trp; replaces arginine 47 with tryptophan.
Molecular consequence: missense variant. On other transcripts: intron variant (1).
Genome position (GRCh38, 1-based): chr4:991,565, G>A on the plus strand (C>T on the coding strand, the complement: SLC26A1 is on the minus strand). VCF-style: chr4-991565-G-A. GRCh37 (hg19) VCF-style: chr4-985353-G-A.
Other names: c.139C>T, p.Arg47Trp (NM_134425.4, NM_213613.4); c.299+3616G>A (NM_000203.5); short protein forms R47W.
Identifiers: ClinVar variation 2957958 (VCV002957958.4), dbSNP rs199753982, ClinGen allele CA2801764.

ClinVar aggregate classification (germline): Uncertain significance. Review status: criteria provided, single submitter (1 of 4 stars). 2 submissions from 2 submitters: Uncertain significance (1). 1 of the submissions does not count toward it. Last evaluated 2024-12-28.

Conditions:
Disorder of lung. Also called: Lung disorder. Identifiers: Orphanet 101944, MedGen C0024115, MONDO:0005275.

Allele frequency attached by ClinVar (database versions not stated): ExAC 0.00006; TOPMed 0.00007; 1000 Genomes Project 30x 0.00078; 1000 Genomes Project 0.00080.

Submissions (2):

Labcorp Genetics (formerly Invitae), Labcorp
Classification: Uncertain significance. Last evaluated: 2024-12-28. Review status: criteria provided, single submitter. Criteria: Invitae Variant Classification Sherloc (09022015). Collection method: clinical testing. Allele origin: germline.
Comment: This sequence change replaces arginine, which is basic and polar, with tryptophan, which is neutral and slightly polar, at codon 47 of the SLC26A1 protein (p.Arg47Trp). This variant is present in population databases (rs199753982, gnomAD 0.1%), and has an allele count higher than expected for a pathogenic variant. This variant has not been reported in the literature in individuals affected with SLC26A1-related conditions. ClinVar contains an entry for this variant (Variation ID: 2957958). An algorithm developed to predict the effect of missense changes on protein structure and function outputs the following: PolyPhen-2: "Benign". The tryptophan amino acid residue is found in multiple mammalian species, which suggests that this missense change does not adversely affect protein function. In summary, the available evidence is currently insufficient to determine the role of this variant in disease. Therefore, it has been classified as a Variant of Uncertain Significance.

Yan Lab, Department of Urology, Pediatric Urolith Center, National Clinical Research Center for Child Health, The Children’s Hospital of Zhejiang University School of Medicine
Classification: Uncertain significance for Disorder of lung. Review status: no assertion criteria provided. Collection method: research. Allele origin: germline. Affected: no. Not counted in ClinVar's aggregate classification.